The following is an entry in ClinVar:

NM_017617.5(NOTCH1):c.3852C>T (p.Cys1284=)

Gene: NOTCH1 (notch receptor 1; minus strand). Cytogenetic location: 9q34.3.
Variant type: single nucleotide variant.
Coding change: c.3852C>T on transcript NM_017617.5 (MANE Select); coding-DNA position 3852, C replaced by T.
Protein change: p.Cys1284=; no amino-acid change (cysteine 1284 retained).
Molecular consequence: synonymous variant.
Genome position (GRCh38, 1-based): chr9:136,506,765, G>A on the plus strand (C>T on the coding strand, the complement: NOTCH1 is on the minus strand). VCF-style: chr9-136506765-G-A. GRCh37 (hg19) VCF-style: chr9-139401217-G-A.
Other names: c.3852C>T, p.Cys1284= (LRG_1122t1).
Identifiers: ClinVar variation 477922 (VCV000477922.17), dbSNP rs377289044, ClinGen allele CA5340788.
Genomic context (GRCh38, chr9:136,506,765, plus strand): 5'-GCGGCACCCACCGGTGTGACCAGCACGGCACTCGCAGTGGAAGTCATTGACGCGCTGCAC[G>A]CAGTTCTGGGTGCCACGGGCGTCGCAGGGATTGGACAGGCACTCGTTGACATCCCCCTCA-3'
Protein context (NP_060087.3, residues 1274-1294): NPCDARGTQN[Cys1284=]VQRVNDFHCE

ClinVar aggregate classification (germline): Benign/Likely benign. Review status: criteria provided, multiple submitters, no conflicts (2 of 4 stars). 5 submissions from 4 submitters: Benign (3); Likely benign (2). Last evaluated 2025-10-09.

Conditions:
Adams-Oliver syndrome 5 (AOS5). Identifiers: Orphanet 974, MedGen C4014970, MONDO:0014459, OMIM 616028.
Familial thoracic aortic aneurysm and aortic dissection (TAAD). Also called: Thoracic aortic aneurysms and dissections. Identifiers: Orphanet 91387, MedGen C4707243, MONDO:0019625.
Aortic valve disease 1 (AOVD1). Identifiers: MedGen C3887892, MONDO:0024523, OMIM 109730.

Allele frequency attached by ClinVar (database versions not stated): TOPMed 0.00003.
gnomAD v4.1: 40 of 1,607,728 alleles (0.0025%); highest among the groups gnomAD compares: Admixed American, 0.062%; no homozygotes.

Submissions (5):

Labcorp Genetics (formerly Invitae), Labcorp
Classification: Benign for Adams-Oliver syndrome 5. Last evaluated: 2025-10-09. Review status: criteria provided, single submitter. Criteria: Invitae Variant Classification Sherloc (09022015). Collection method: clinical testing. Allele origin: germline.

Genome-Nilou Lab
Classification: Benign for Adams-Oliver syndrome 5. Last evaluated: 2022-03-15. Review status: criteria provided, single submitter. Criteria: ACMG Guidelines, 2015. Collection method: clinical testing. Allele origin: germline. Affected: no.

Genome-Nilou Lab
Classification: Benign for Aortic valve disease 1. Last evaluated: 2022-03-15. Review status: criteria provided, single submitter. Criteria: ACMG Guidelines, 2015. Collection method: clinical testing. Allele origin: germline. Affected: no.

GeneDx
Classification: Likely benign. Last evaluated: 2018-06-13. Review status: criteria provided, single submitter. Criteria: GeneDx Variant Classification (06012015). Collection method: clinical testing. Allele origin: germline. Affected: yes.
Comment: This variant is considered likely benign or benign based on one or more of the following criteria: it is a conservative change, it occurs at a poorly conserved position in the protein, it is predicted to be benign by multiple in silico algorithms, and/or has population frequency not consistent with disease.

Ambry Genetics
Classification: Likely benign for Familial thoracic aortic aneurysm and aortic dissection. Last evaluated: 2016-09-29. Review status: criteria provided, single submitter. Criteria: Ambry Variant Classification Scheme 2023. Collection method: clinical testing. Allele origin: germline.